The following is an entry in ClinVar:

NM_001002294.3(FMO3):c.622G>T (p.Glu208Ter)

Genes: FMO3 (flavin containing dimethylaniline monoxygenase 3; plus strand), LOC126805916 (BRD4-independent group 4 enhancer GRCh37_chr1:171076844-171078043; plus strand). Cytogenetic location: 1q24.3.
Variant type: single nucleotide variant.
Coding change: c.622G>T on transcript NM_001002294.3 (MANE Select); coding-DNA position 622, G replaced by T.
Protein change: p.Glu208Ter; replaces glutamic acid 208 with a stop codon.
Molecular consequence: nonsense.
Genome position (GRCh38, 1-based): chr1:171,108,216, G>T. VCF-style: chr1-171108216-G-T. GRCh37 (hg19) VCF-style: chr1-171077357-G-T.
Other names: c.622G>T, p.Glu208Ter (NM_006894.6); c.562G>T, p.Glu188Ter (NM_001319173.2); c.433G>T, p.Glu145Ter (NM_001319174.2); c.622G>T (NM_001002294.2); short protein forms E145*, E188*, E208*.
Identifiers: ClinVar variation 1322927 (VCV001322927.12), dbSNP rs559643079, ClinGen allele CA1240588.
Genomic context (GRCh38, chr1:171,108,216, plus strand): 5'-CTGGTGGTTGGCCTGGGGAATTCGGGCTGTGATATTGCCACAGAACTCAGCCGCACAGCA[G>T]AACAGGTACTACTCCCCGGGTACTCGGGTGACTCTCGTTACTGACAGAAGAGTTATTATC-3'

ClinVar aggregate classification (germline): Pathogenic. Review status: criteria provided, multiple submitters, no conflicts (2 of 4 stars). 6 submissions from 6 submitters: Pathogenic (6). Last evaluated 2025-03-21.

Conditions:
Trimethylaminuria (TMAU). Also called: FISH-ODOR SYNDROME; Primary Trimethylaminuria; Fish malodor syndrome; Stale fish syndrome; TMAuria. Identifiers: MedGen C0342739, MONDO:0011182, OMIM 602079, HP:0003614. Disease mechanism: loss of function.

Allele frequency attached by ClinVar (database versions not stated): ExAC 0.00008; 1000 Genomes Project 0.00020; TOPMed below 0.00001; 1000 Genomes Project 30x 0.00016; gnomAD exomes 0.00007; gnomAD 0.00001.

Submissions (6):

First Genomix Gene Laboratory, Genetic Diagnostics Department
Classification: Pathogenic for Trimethylaminuria. Last evaluated: 2025-03-21. Review status: criteria provided, single submitter. Criteria: ACMG Guidelines, 2015. Collection method: clinical testing. Allele origin: germline. Inheritance: Autosomal recessive inheritance. Affected: no. Observed: 1 variant allele.

Myriad Genetics, Inc.
Classification: Pathogenic for Trimethylaminuria. Last evaluated: 2024-05-27. Review status: criteria provided, single submitter. Criteria: Myriad Autosomal Dominant, Autosomal Recessive and X-Linked Classification Criteria (2023). Collection method: clinical testing. Allele origin: unknown.
Comment: NM_001002294.2(FMO3):c.622G>T(E208*) is expected to be pathogenic in the context of primary trimethylaminuria. This variant is predicted to lead to an abnormal or absent protein product due to the creation of a premature termination codon in FMO3, a gene where loss-of-function variants are known to be pathogenic. Please note: this variant was assessed in the context of healthy population screening.

Fulgent Genetics
Classification: Pathogenic for Trimethylaminuria. Last evaluated: 2024-05-07. Review status: criteria provided, single submitter. Criteria: ACMG Guidelines, 2015. Collection method: clinical testing. Allele origin: germline.

Labcorp Genetics (formerly Invitae), Labcorp
Classification: Pathogenic. Last evaluated: 2024-03-20. Review status: criteria provided, single submitter. Criteria: Invitae Variant Classification Sherloc (09022015). Collection method: clinical testing. Allele origin: germline.
Comment: This sequence change creates a premature translational stop signal (p.Glu208*) in the FMO3 gene. It is expected to result in an absent or disrupted protein product. Loss-of-function variants in FMO3 are known to be pathogenic (PMID: 20301282). This variant is present in population databases (rs559643079, gnomAD 0.06%). This premature translational stop signal has been observed in individual(s) with trimethylaminuria (PMID: 27118741). ClinVar contains an entry for this variant (Variation ID: 1322927). For these reasons, this variant has been classified as Pathogenic.

Women's Health and Genetics/Laboratory Corporation of America, LabCorp
Classification: Pathogenic for Trimethylaminuria. Last evaluated: 2024-01-12. Review status: criteria provided, single submitter. Criteria: LabCorp Variant Classification Summary - May 2015. Collection method: clinical testing. Allele origin: germline.
Comment: Variant summary: FMO3 c.622G>T (p.Glu208X) results in a premature termination codon, predicted to cause a truncation of the encoded protein or absence of the protein due to nonsense mediated decay, which are commonly known mechanisms for disease. The variant allele was found at a frequency of 6.8e-05 in 251094 control chromosomes. This frequency is not significantly higher than estimated for a pathogenic variant in FMO3 causing Trimethylaminuria (6.8e-05 vs 0.0056), allowing no conclusion about variant significance. c.622G>T has been reported in the literature in individuals affected with Trimethylaminuria. These data indicate that the variant may be associated with disease. To our knowledge, no experimental evidence demonstrating an impact on protein function has been reported. ClinVar contains an entry for this variant (Variation ID: 1322927). Based on the evidence outlined above, the variant was classified as pathogenic.

Victorian Clinical Genetics Services, Murdoch Childrens Research Institute
Classification: Pathogenic for Trimethylaminuria. Last evaluated: 2020-05-26. Review status: criteria provided, single submitter. Criteria: ACMG Guidelines, 2015. Collection method: clinical testing. Allele origin: germline. Inheritance: Autosomal recessive inheritance. Affected: no.
Comment: Based on the classification scheme VCGS_Germline_v1.1.1, this variant is classified as pathogenic. Following criteria are met: 0102 - Loss-of-function is a known mechanism of disease for this gene. (N) 0106 - This gene is known to be associated with autosomal recessive disease. (N) 0201 - Variant is predicted to cause nonsense-mediated decay (NMD) and loss of protein (exon 5 of 9). (P) 0251 - Variant is heterozygous. (N) 0304 - Variant is present in gnomAD <0.01 for a recessive condition (17 heterozygotes, 0 homozygotes). (P) 0701 - Comparable variants also predicted to result in NMD, have very strong previous evidence for pathogenicity in patients with metabolic disease (ClinVar, PMID: 28649550, PMID: 31240165). (P) 0803 - Low previous evidence of pathogenicity in a single homozygous individual with trimethylaminuria (PMID: 27118741). (P) 0905 - No segregation evidence has been identified for this variant. (N) 1208 - Inheritance information for this variant is not currently available. (N) Legend: (P) - Pathogenic, (N) - Neutral, (B) - Benign

Literature cited by the submitters: PubMed 20301282 (cited by Labcorp Genetics (formerly Invitae), Labcorp); PubMed 27118741 (cited by 3 submitters); PubMed 28649550 (cited by Victorian Clinical Genetics Services, Murdoch Childrens Research Institute); PubMed 31240165 (cited by Victorian Clinical Genetics Services, Murdoch Childrens Research Institute).